The following is an entry in ClinVar:

NM_007294.4(BRCA1):c.5554A>T (p.Thr1852Ser)

Gene: BRCA1 (BRCA1 DNA repair associated; minus strand). Cytogenetic location: 17q21.31.
Variant type: single nucleotide variant.
Coding change: c.5554A>T on transcript NM_007294.4 (MANE Select); coding-DNA position 5554, A replaced by T.
Protein change: p.Thr1852Ser; replaces threonine 1852 with serine.
Molecular consequence: missense variant. On other transcripts: 3 prime UTR variant (1), non-coding transcript variant (1).
Genome position (GRCh38, 1-based): chr17:43,045,716, T>A on the plus strand (A>T on the coding strand, the complement: BRCA1 is on the minus strand). VCF-style: chr17-43045716-T-A. GRCh37 (hg19) VCF-style: chr17-41197733-T-A.
Other names: c.5341A>T, p.Thr1781Ser (NM_001407571.1, NM_001407902.1, NM_001407904.1 and 12 more transcripts); c.5620A>T, p.Thr1874Ser (NM_001407581.1, NM_001407582.1); c.5617A>T, p.Thr1873Ser (NM_001407583.1, NM_001407585.1, NM_001407587.1 and 1 more transcripts); c.5551A>T, p.Thr1851Ser (NM_001407610.1, NM_001407611.1, NM_001407612.1 and 14 more transcripts); c.5548A>T, p.Thr1850Ser (NM_001407629.1, NM_001407630.1, NM_001407631.1 and 13 more transcripts); c.5494A>T, p.Thr1832Ser (NM_001407649.1); c.5476A>T, p.Thr1826Ser (NM_001407652.1, NM_001407653.1, NM_001407654.1 and 1 more transcripts); c.5473A>T, p.Thr1825Ser (NM_001407656.1, NM_001407657.1, NM_001407658.1); and 74 more; short protein forms T1852S, T1873S, T1805S, T748S, T1698S, T1739S, T1782S, T1804S.
Identifiers: ClinVar variation 869040 (VCV000869040.3), dbSNP rs1555574370, ClinGen allele CA501170.

Conditions:
Breast-ovarian cancer, familial, susceptibility to, 1 (BROVCA1). Also called: BRCA1 Hereditary Breast and Ovarian Cancer; OVARIAN CANCER, SUSCEPTIBILITY TO. Identifiers: Orphanet 145, MedGen C2676676, MONDO:0011450, OMIM 604370. Disease mechanism: loss of function.

Submission:

Brotman Baty Institute, University of Washington
No classification provided (evidence only). Condition: Breast-ovarian cancer, familial 1. Review status: no classification provided. Collection method: in vitro. Allele origin: not applicable. Functional consequence: functionally_normal.
ClinVar note: "not provided" was previously submitted as the classification for the variant. However, the classification appeared to be based only on an observation of functional data so it was converted to no classification on 2025-07-30.